The following is an entry in ClinVar:

ClinVar aggregate classification (germline): Conflicting classifications of pathogenicity. Review status: criteria provided, conflicting classifications (1 of 4 stars). 3 submissions from 3 submitters: Uncertain significance (1); Likely benign (2). Last evaluated 2023-05-14.

Conditions:
Hereditary cancer-predisposing syndrome. Also called: Hereditary neoplastic syndrome; Neoplastic Syndromes, Hereditary; Tumor predisposition; Hereditary Cancer Syndrome. Identifiers: Orphanet 140162, MedGen C0027672, MeSH D009386, MONDO:0015356.
Hereditary breast ovarian cancer syndrome. Also called: BRCA1- and BRCA2-Associated Hereditary Breast and Ovarian Cancer; Hereditary breast and ovarian cancer; Hereditary breast and/or ovarian cancer syndrome; Hereditary breast and ovarian cancer syndrome (HBOC); Breast and ovarian cancer; Hereditary breast and ovarian cancer syndrome. Identifiers: Orphanet 145, MedGen C0677776, MeSH D061325, MONDO:0003582. Disease mechanism: loss of function.

gnomAD v4.1: 1 of 1,614,210 alleles (0.000062%); highest among the groups gnomAD compares: South Asian, 0.0011%; no homozygotes.

Submissions (3):

Ambry Genetics
Classification: Likely benign for Hereditary cancer-predisposing syndrome. Last evaluated: 2023-05-14. Review status: criteria provided, single submitter. Criteria: Ambry Variant Classification Scheme 2023. Collection method: clinical testing. Allele origin: germline.

University of Washington Department of Laboratory Medicine, University of Washington
Classification: Likely benign for Hereditary cancer-predisposing syndrome. Last evaluated: 2023-03-23. Review status: criteria provided, single submitter. Criteria: Dines et al. (Genet Med. 2020). Collection method: curation. Allele origin: germline.
Comment: Missense variant in a coldspot region where missense variants are very unlikely to be pathogenic (PMID:31911673).

BRCA1 coldspot (exon 11 using historical exon numbering). Reclassification based on statistical prior probability

Labcorp Genetics (formerly Invitae), Labcorp
Classification: Uncertain significance for Hereditary breast ovarian cancer syndrome. Last evaluated: 2020-12-21. Review status: criteria provided, single submitter. Criteria: Invitae Variant Classification Sherloc (09022015). Collection method: clinical testing. Allele origin: germline.
Comment: Advanced modeling of protein sequence and biophysical properties (such as structural, functional, and spatial information, amino acid conservation, physicochemical variation, residue mobility, and thermodynamic stability) performed at Invitae indicates that this missense variant is not expected to disrupt BRCA1 protein function. This variant has not been reported in the literature in individuals with BRCA1-related conditions. This variant is not present in population databases (ExAC no frequency). This sequence change replaces asparagine with serine at codon 1265 of the BRCA1 protein (p.Asn1265Ser). The asparagine residue is moderately conserved and there is a small physicochemical difference between asparagine and serine. In summary, the available evidence is currently insufficient to determine the role of this variant in disease. Therefore, it has been classified as a Variant of Uncertain Significance.

NM_007294.4(BRCA1):c.3794A>G (p.Asn1265Ser)

Genes: BRCA1 (BRCA1 DNA repair associated; minus strand), LOC126862571 (BRD4-independent group 4 enhancer GRCh37_chr17:41243136-41244335; plus strand). Cytogenetic location: 17q21.31.
Variant type: single nucleotide variant.
Coding change: c.3794A>G on transcript NM_007294.4 (MANE Select); coding-DNA position 3794, A replaced by G.
Protein change: p.Asn1265Ser; replaces asparagine 1265 with serine.
Molecular consequence: missense variant. On other transcripts: intron variant (135).
Genome position (GRCh38, 1-based): chr17:43,091,737, T>C on the plus strand (A>G on the coding strand, the complement: BRCA1 is on the minus strand). VCF-style: chr17-43091737-T-C. GRCh37 (hg19) VCF-style: chr17-41243754-T-C.
Other names: c.3530A>G, p.Asn1177Ser (NM_001407920.1, NM_001407921.1, NM_001407922.1 and 9 more transcripts); c.3527A>G, p.Asn1176Ser (NM_001407930.1, NM_001407931.1, NM_001407932.1 and 2 more transcripts); c.3461A>G, p.Asn1154Ser (NM_001407947.1, NM_001407948.1, NM_001407949.1 and 6 more transcripts); c.3671A>G, p.Asn1224Ser (NM_001407937.1, NM_001407938.1, NM_001407939.1 and 19 more transcripts); c.3668A>G, p.Asn1223Ser (NM_001407941.1, NM_001407940.1, NM_001407649.1 and 11 more transcripts); c.3653A>G, p.Asn1218Ser (NM_001407942.1, NM_001407944.1, NM_001407945.1 and 29 more transcripts); c.3650A>G, p.Asn1217Ser (NM_001407943.1, NM_001407740.1, NM_001407741.1 and 20 more transcripts); c.3581A>G, p.Asn1194Ser (NM_001407571.1, NM_001407853.1, NM_001407894.1 and 9 more transcripts); and 41 more; short protein forms N1218S, N1265S, N1153S, N1223S, N1239S, N1137S, N1177S, N1194S.
Identifiers: ClinVar variation 1510278 (VCV001510278.13), dbSNP rs2154286843, ClinGen allele CA10594381.